The following is an entry in ClinVar:

ClinVar aggregate classification (germline): Uncertain significance (1 of 4 stars; one submission).

Conditions:
Inborn genetic diseases. Identifiers: MedGen C0950123, MeSH D030342.

gnomAD v4.1: 2 of 1,614,184 alleles (0.00012%); highest among the groups gnomAD compares: South Asian, 0.0011%; no homozygotes.

Submission:

Ambry Genetics
Classification: Uncertain significance for Inborn genetic diseases. Last evaluated: 2025-12-07. Review status: criteria provided, single submitter. Criteria: Ambry Variant Classification Scheme 2023. Collection method: clinical testing. Allele origin: germline.
Comment: The p.G1283D variant (also known as c.3848G>A), located in coding exon 13 of the ASXL1 gene, results from a G to A substitution at nucleotide position 3848. The glycine at codon 1283 is replaced by aspartic acid, an amino acid with similar properties. This amino acid position is conserved. In addition, this alteration is predicted to be tolerated by in silico analysis. Based on the available evidence, the clinical significance of this variant remains unclear.

NM_015338.6(ASXL1):c.3848G>A (p.Gly1283Asp)

Gene: ASXL1 (ASXL transcriptional regulator 1; plus strand). Cytogenetic location: 20q11.21.
Variant type: single nucleotide variant.
Coding change: c.3848G>A on transcript NM_015338.6 (MANE Select); coding-DNA position 3848, G replaced by A.
Protein change: p.Gly1283Asp; replaces glycine 1283 with aspartic acid.
Molecular consequence: missense variant.
Genome position (GRCh38, 1-based): chr20:32,436,560, G>A. VCF-style: chr20-32436560-G-A. GRCh37 (hg19) VCF-style: chr20-31024363-G-A.
Other names: c.3665G>A, p.Gly1222Asp (NM_001363734.1); short protein forms G1222D, G1283D.
Identifiers: ClinVar variation 4588983 (VCV004588983.1).